The following is an entry in ClinVar:

NC_000009.11:g.(?_214977)_(289601_?)dup

Genes: DOCK8 (dedicator of cytokinesis 8; plus strand), DOCK8-AS1 (DOCK8 antisense RNA 1; minus strand). Cytogenetic location: 9p24.3.
Variant type: Duplication.
Identifiers: ClinVar variation 1016386 (VCV001016386.10).

ClinVar aggregate classification (germline): Uncertain significance (1 of 4 stars; one submission).

Conditions:
Hyper-IgE recurrent infection syndrome 3, autosomal recessive. Also called: Autosomal recessive hyper-IgE syndrome due to ZNF341 deficiency; HYPER-IgE SYNDROME 3, AUTOSOMAL RECESSIVE, WITH RECURRENT INFECTIONS. Identifiers: Orphanet 641368, MedGen C4748969, MONDO:0032654, OMIM 618282.

Submission:

Labcorp Genetics (formerly Invitae), Labcorp
Classification: Uncertain significance for Combined immunodeficiency due to DOCK8 deficiency. Last evaluated: 2024-01-22. Review status: criteria provided, single submitter. Criteria: Invitae Variant Classification Sherloc (09022015). Collection method: clinical testing. Allele origin: germline.
Comment: This variant results in a copy number gain of the genomic region encompassing exon(s) 1-4 of the DOCK8 gene. This region includes the initiator codon of the gene. This copy number gain extends beyond the assayed region for this gene and therefore may encompass additional genes. As the precise location of this event is unknown, it may be in tandem or it may be located elsewhere in the genome. This variant has not been reported in the literature in individuals affected with DOCK8-related conditions. Experimental studies and prediction algorithms are not available or were not evaluated, and the functional significance of this variant is currently unknown. In summary, the available evidence is currently insufficient to determine the role of this variant in disease. Therefore, it has been classified as a Variant of Uncertain Significance.